The following is an entry in ClinVar:

NM_000016.6(ACADM):c.957_958del (p.Ser320fs)

Gene: ACADM (acyl-CoA dehydrogenase medium chain; plus strand). Cytogenetic location: 1p31.1.
Variant type: Microsatellite.
Coding change: c.957_958del on transcript NM_000016.6 (MANE Select); coding-DNA positions 957 to 958, 2 bases deleted (AT; older notation c.957_958delAT).
Protein change: p.Ser320fs; shifts the reading frame from serine 320.
Molecular consequence: frameshift variant.
Genome position (GRCh38, 1-based): chr1:75,761,133-75,761,134, AT deleted; deleting any 2 consecutive bases within chr1:75,761,131-75,761,134 gives the same sequence; the c. name uses the placement nearest the transcript's 3' end. VCF-style (leftmost placement, unchanged base first): chr1-75761130-AAT-A. GRCh37 (hg19) VCF-style: chr1-76226815-AAT-A.
Other names: c.969_970del, p.Ser324fs (NM_001127328.3); c.849_850del, p.Ser284fs (NM_001286042.2); c.1056_1057del, p.Ser353fs (NM_001286043.2); c.390_391del, p.Ser131fs (NM_001286044.2); c.957_958delAT (NM_000016.5); short protein forms S320fs, S284fs, S131fs, S324fs, S353fs.
Identifiers: ClinVar variation 371224 (VCV000371224.19), dbSNP rs1057517103, ClinGen allele CA16040782.

ClinVar aggregate classification (germline): Pathogenic. Review status: criteria provided, multiple submitters, no conflicts (2 of 4 stars). 5 submissions from 5 submitters: Pathogenic (4). 1 of the submissions does not count toward it. Last evaluated 2025-06-06.

Conditions:
Medium-chain acyl-coenzyme A dehydrogenase deficiency (ACADMD). Also called: MCADH DEFICIENCY; MCADD; Medium chain acyl-CoA dehydrogenase deficiency; MCAD Deficiency; ACADM DEFICIENCY; CARNITINE DEFICIENCY SECONDARY TO MEDIUM-CHAIN ACYL-CoA DEHYDROGENASE DEFICIENCY. Identifiers: Orphanet 42, MedGen C0220710, MONDO:0008721, OMIM 201450.

Submissions (5):

Natera, Inc.
Classification: Pathogenic for Medium Chain Acyl-CoA Dehydrogenase Deficiency. Last evaluated: 2025-06-06. Review status: criteria provided, single submitter. Criteria: Natera Variant Classification Schema (03/2026). Collection method: clinical testing. Allele origin: germline.
Comment: The c.957_958delAT variant in ACADM is a frameshift variant predicted to shift the reading frame beginning at codon 320 and leads to a stop codon 5 codons downstream. This variant is expected to result in nonsense mediated decay, truncation, or a dysfunctional protein product. This variant is rare in the general population with a frequency below the threshold expected for the associated phenotype(s). This variant has been observed in one or more individuals affected with the associated recessive disease, as either homozygous or compound heterozygous with a second variant (PMID: 9158144). Given the available evidence, this variant is classified as Pathogenic.

Labcorp Genetics (formerly Invitae), Labcorp
Classification: Pathogenic for Medium-chain acyl-coenzyme A dehydrogenase deficiency. Last evaluated: 2023-08-23. Review status: criteria provided, single submitter. Criteria: Invitae Variant Classification Sherloc (09022015). Collection method: clinical testing. Allele origin: germline.
Comment: For these reasons, this variant has been classified as Pathogenic. ClinVar contains an entry for this variant (Variation ID: 371224). This premature translational stop signal has been observed in individual(s) with MCAD deficiency (PMID: 9158144). This variant is not present in population databases (gnomAD no frequency). This sequence change creates a premature translational stop signal (p.Ser320Ilefs*5) in the ACADM gene. It is expected to result in an absent or disrupted protein product. Loss-of-function variants in ACADM are known to be pathogenic (PMID: 16121256, 20434380).

Baylor Genetics
Classification: Pathogenic for Medium-chain acyl-coenzyme A dehydrogenase deficiency. Last evaluated: 2022-07-08. Review status: criteria provided, single submitter. Criteria: ACMG Guidelines, 2015. Collection method: clinical testing. Allele origin: unknown.

ARUP Laboratories, Molecular Genetics and Genomics, ARUP Laboratories
Classification: Pathogenic for Medium-chain acyl-coenzyme A dehydrogenase deficiency. Last evaluated: 2021-03-08. Review status: criteria provided, single submitter. Criteria: ARUP Molecular Germline Variant Investigation Process 2021. Collection method: clinical testing. Allele origin: germline.
Comment: The ACADM c.957_958delAT; p.Ser320IlefsTer5 variant (rs1057517103), also known as 955-956del, is reported in the literature in a homozygous individual affected with medium-chain acyl-CoA dehydrogenase (MCAD) deficiency (Andresen 1997). This variant is absent from general population databases (Exome Variant Server, Genome Aggregation Database), indicating it is not a common polymorphism. This variant causes a frameshift by deleting two nucleotides, so it is predicted to result in a truncated protein or mRNA subject to nonsense-mediated decay. Consistent with this prediction, northern blot analysis of the patient homozygous for this variant demonstrated little to no expression of the variant transcript (Andresen 1997). Based on available information, this variant is considered to be pathogenic. References: Andresen BS et al. The molecular basis of medium-chain acyl-CoA dehydrogenase (MCAD) deficiency in compound heterozygous patients: is there correlation between genotype and phenotype? Hum Mol Genet. 1997 May;6(5):695-707.

Counsyl
Classification: Likely pathogenic for Medium-chain acyl-coenzyme A dehydrogenase deficiency. Last evaluated: 2016-08-03. Review status: no assertion criteria provided. Collection method: clinical testing. Allele origin: unknown. Not counted in ClinVar's aggregate classification.

Literature cited by the submitters: PubMed 9158144 (cited by 3 submitters); PubMed 16121256 (cited by Labcorp Genetics (formerly Invitae), Labcorp); PubMed 20434380 (cited by Labcorp Genetics (formerly Invitae), Labcorp).